The following is an entry in ClinVar:

NM_000975.5(RPL11):c.111del (p.Lys38fs)

Gene: RPL11 (ribosomal protein L11; plus strand). Cytogenetic location: 1p36.11.
Variant type: Deletion.
Coding change: c.111del on transcript NM_000975.5 (MANE Select); coding-DNA position 111, one base deleted (C; older notation c.111delC).
Protein change: p.Lys38fs; shifts the reading frame from lysine 38.
Molecular consequence: frameshift variant.
Genome position (GRCh38, 1-based): chr1:23,692,713, C deleted; the last of 2 consecutive C bases (chr1:23,692,712-23,692,713); deleting either gives the same sequence. VCF-style (leftmost placement, unchanged base first): chr1-23692711-GC-G. GRCh37 (hg19) VCF-style: chr1-24019201-GC-G.
Other names: c.111del, p.Lys38fs (LRG_1140t1); c.108del, p.Lys37fs (NM_001199802.1); short protein forms K37fs, K38fs.
Identifiers: ClinVar variation 532180 (VCV000532180.7), dbSNP rs1553121684, ClinGen allele CA658795415.

ClinVar aggregate classification (germline): Pathogenic (1 of 4 stars; one submission).

Conditions:
Diamond-Blackfan anemia. Also called: Blackfan Diamond syndrome; Aregenerative anemia chronic congenital; Red cell aplasia, pure hereditary; Congenital hypoplastic anemia; Aase syndrome. Identifiers: Orphanet 124, MedGen C1260899, MeSH D029503, MONDO:0015253, HP:0004810.

Submission:

Labcorp Genetics (formerly Invitae), Labcorp
Classification: Pathogenic for Diamond-Blackfan anemia. Last evaluated: 2017-11-29. Review status: criteria provided, single submitter. Criteria: Invitae Variant Classification Sherloc (09022015). Collection method: clinical testing. Allele origin: germline.
Comment: For these reasons, this variant has been classified as Pathogenic. Loss-of-function variants in RPL11 are known to be pathogenic (PMID: 19773262, 19061985). This variant has not been reported in the literature in individuals with RPL11-related disease. This variant is not present in population databases (ExAC no frequency). This sequence change creates a premature translational stop signal (p.Lys38Argfs*50) in the RPL11 gene. It is expected to result in an absent or disrupted protein product.

Literature cited by the submitters: PubMed 19773262; PubMed 19061985.